The following is an entry in ClinVar:

NM_199420.4(POLQ):c.4193T>C (p.Met1398Thr)

Gene: POLQ (DNA polymerase theta; minus strand). Cytogenetic location: 3q13.33.
Variant type: single nucleotide variant.
Coding change: c.4193T>C on transcript NM_199420.4 (MANE Select); coding-DNA position 4193, T replaced by C.
Protein change: p.Met1398Thr; replaces methionine 1398 with threonine.
Molecular consequence: missense variant.
Genome position (GRCh38, 1-based): chr3:121,488,738, A>G on the plus strand (T>C on the coding strand, the complement: POLQ is on the minus strand). VCF-style: chr3-121488738-A-G. GRCh37 (hg19) VCF-style: chr3-121207585-A-G.
Other names: short protein forms M1398T.
Identifiers: ClinVar variation 3229986 (VCV003229986.1), dbSNP rs199558428, ClinGen allele CA81835879.

ClinVar aggregate classification (germline): Uncertain significance (1 of 4 stars; one submission).

Allele frequency attached by ClinVar (database versions not stated): gnomAD 0.00001; 1000 Genomes Project 30x 0.00016; 1000 Genomes Project 0.00020.

Submission:

Ambry Genetics
Classification: Uncertain significance. Last evaluated: 2024-02-12. Review status: criteria provided, single submitter. Criteria: Ambry Variant Classification Scheme 2023. Collection method: clinical testing. Allele origin: germline.
Comment: The p.M1398T variant (also known as c.4193T>C), located in coding exon 16 of the POLQ gene, results from a T to C substitution at nucleotide position 4193. The methionine at codon 1398 is replaced by threonine, an amino acid with similar properties. This amino acid position is conserved. In addition, this alteration is predicted to be tolerated by in silico analysis. Based on the available evidence, the clinical significance of this alteration remains unclear.